The following is an entry in ClinVar:

NM_001348716.2(KDM6B):c.2690A>C (p.Gln897Pro)

Gene: KDM6B (lysine demethylase 6B; plus strand). Cytogenetic location: 17p13.1.
Variant type: single nucleotide variant.
Coding change: c.2690A>C on transcript NM_001348716.2 (MANE Select); coding-DNA position 2690, A replaced by C.
Protein change: p.Gln897Pro; replaces glutamine 897 with proline.
Molecular consequence: missense variant.
Genome position (GRCh38, 1-based): chr17:7,848,978, A>C. VCF-style: chr17-7848978-A-C. GRCh37 (hg19) VCF-style: chr17-7752296-A-C.
Other names: c.2690A>C, p.Gln897Pro (NM_001080424.2); short protein forms Q897P.
Identifiers: ClinVar variation 3044482 (VCV003044482.2), dbSNP rs1430824275, ClinGen allele CA397921017.
Genomic context (GRCh38, chr17:7,848,978, plus strand): 5'-CCTGGGCCCGGGAGCGCAGGGCGGGCGAAGAGCCAGTCCCGGGCCCCATGACCCCCACCC[A>C]ACCGCCCCCACCCCTATCTCTGCCCCCTGCTCGCTCTGAGTCTGAGGTGCTAGAAGAGAT-3'
Protein context (NP_001335645.1, residues 887-907): EPVPGPMTPT[Gln897Pro]PPPPLSLPPA

ClinVar aggregate classification (germline): Likely benign (0 of 4 stars; one submission).

Conditions:
KDM6B-related disorder. Also called: KDM6B-related condition.

Allele frequency attached by ClinVar (database versions not stated): 1000 Genomes Project 30x 0.03279.

Submission:

PreventionGenetics, part of Exact Sciences
Classification: Likely benign for KDM6B-related condition. Last evaluated: 2021-03-16. Review status: no assertion criteria provided. Collection method: clinical testing. Allele origin: germline.
Comment: This variant is classified as likely benign based on ACMG/AMP sequence variant interpretation guidelines (Richards et al. 2015 PMID: 25741868, with internal and published modifications).